The following is an entry in ClinVar:

ClinVar aggregate classification (germline): Likely benign (1 of 4 stars; one submission).

Conditions:
TRIM28-related disorder. Also called: TRIM28-related condition.

Submission:

PreventionGenetics, part of Exact Sciences
Classification: Likely benign for TRIM28-related condition. Last evaluated: 2026-05-08. Review status: criteria provided, single submitter. Criteria: ACMG Guidelines, 2015. Collection method: clinical testing. Allele origin: germline.
Comment: This variant is classified as likely benign based on ACMG/AMP sequence variant interpretation guidelines (Richards et al. 2015 PMID: 25741868, with internal and published modifications).

NM_005762.3(TRIM28):c.2107-33C>T

Gene: TRIM28 (tripartite motif containing 28; plus strand). Cytogenetic location: 19q13.43.
Variant type: single nucleotide variant.
Coding change: c.2107-33C>T on transcript NM_005762.3 (MANE Select); 33 bases into the intron before coding-DNA position 2107, C replaced by T.
Molecular consequence: intron variant.
Genome position (GRCh38, 1-based): chr19:58,549,916, C>T. VCF-style: chr19-58549916-C-T. GRCh37 (hg19) VCF-style: chr19-59061283-C-T.
Identifiers: ClinVar variation 4980282 (VCV004980282.1).